The following is an entry in ClinVar:

NM_000308.4(CTSA):c.112del (p.Leu38fs)

Gene: CTSA (cathepsin A; plus strand). Cytogenetic location: 20q13.12.
Variant type: Deletion.
Coding change: c.112del on transcript NM_000308.4 (MANE Select); coding-DNA position 112, one base deleted (C; older notation c.112delC).
Protein change: p.Leu38fs; shifts the reading frame from leucine 38.
Molecular consequence: frameshift variant. On other transcripts: non-coding transcript variant (1).
Genome position (GRCh38, 1-based): chr20:45,891,680, C deleted; the last of 2 consecutive C bases (chr20:45,891,679-45,891,680); deleting either gives the same sequence. VCF-style (leftmost placement, unchanged base first): chr20-45891678-GC-G. GRCh37 (hg19) VCF-style: chr20-44520317-GC-G.
Other names: c.112del, p.Leu38fs (NM_001127695.3, NM_001167594.3); c.112delC (NM_000308.4); short protein forms L38fs.
Identifiers: ClinVar variation 981068 (VCV000981068.9), dbSNP rs1241378191, ClinGen allele CA636175858.

ClinVar aggregate classification (germline): Pathogenic/Likely pathogenic. Review status: criteria provided, multiple submitters, no conflicts (2 of 4 stars). 3 submissions from 3 submitters: Pathogenic (2); Likely pathogenic (1). Last evaluated 2025-09-11.

Conditions:
Combined deficiency of sialidase AND beta galactosidase (GSL). Also called: GOLDBERG SYNDROME; NEURAMINIDASE DEFICIENCY WITH BETA-GALACTOSIDASE DEFICIENCY; NEURAMINIDASE/BETA-GALACTOSIDASE EXPRESSION; PPCA DEFICIENCY; PROTECTIVE PROTEIN/CATHEPSIN A DEFICIENCY; CATHEPSIN A DEFICIENCY. Identifiers: Orphanet 351, MedGen C0268233, MONDO:0009737, OMIM 256540.
CTSA-related disorder. Also called: CTSA-related condition.

Submissions (3):

PreventionGenetics, part of Exact Sciences
Classification: Pathogenic for CTSA-related condition. Last evaluated: 2025-09-11. Review status: criteria provided, single submitter. Criteria: ACMG Guidelines, 2015. Collection method: clinical testing. Allele origin: germline.
Comment: The CTSA c.166delC variant is predicted to result in a frameshift and premature protein termination (p.Leu56Serfs*54). This variant has been reported in the compound heterozygous state in an individual with galactosialidosis (Reported as ∆C118 in Zhou et al. 1996. PubMed ID: 8968752). This variant is reported in 0.00091% of alleles in individuals of European (Non-Finnish) descent in gnomAD. Frameshift variants in CTSA are expected to be pathogenic. This variant is interpreted as pathogenic.

Women's Health and Genetics/Laboratory Corporation of America, LabCorp
Classification: Likely pathogenic for Combined deficiency of sialidase AND beta galactosidase. Last evaluated: 2023-04-06. Review status: criteria provided, single submitter. Criteria: LabCorp Variant Classification Summary - May 2015. Collection method: clinical testing. Allele origin: germline.
Comment: Variant summary: CTSA c.112delC/p.Leu38SerfsX54 (also known as delC118) results in a premature termination codon, predicted to cause a truncation of the encoded protein or absence of the protein due to nonsense mediated decay, which are commonly known mechanisms for disease. Truncations downstream of this position have been classified as pathogenic by our laboratory. The variant allele was found at a frequency of 4e-06 in 247276 control chromosomes (gnomAD). c.112delC has been reported in literature at least in one compound heterozygous individual affected with Galactosialidosis (Zhou_1996). These data do not allow any conclusion about variant significance. To our knowledge, no experimental evidence demonstrating an impact on protein function has been reported. One clinical diagnostic laboratory has submitted clinical-significance assessments for this variant to ClinVar after 2014 without evidence for independent evaluation and classified the variant as pathogenic. Based on the evidence outlined above, the variant was classified as likely pathogenic.

Labcorp Genetics (formerly Invitae), Labcorp
Classification: Pathogenic for Combined deficiency of sialidase AND beta galactosidase. Last evaluated: 2022-12-22. Review status: criteria provided, single submitter. Criteria: Invitae Variant Classification Sherloc (09022015). Collection method: clinical testing. Allele origin: germline.
Comment: For these reasons, this variant has been classified as Pathogenic. This sequence change creates a premature translational stop signal (p.Leu56Serfs*54) in the CTSA gene. It is expected to result in an absent or disrupted protein product. Loss-of-function variants in CTSA are known to be pathogenic (PMID: 15110321, 23915561). This variant is present in population databases (no rsID available, gnomAD 0.0009%). This premature translational stop signal has been observed in individual(s) with galactosialidosis (PMID: 8968752). This variant is also known as ΔC118. ClinVar contains an entry for this variant (Variation ID: 981068).

Literature cited by the submitters: PubMed 8968752 (cited by Women's Health and Genetics/Laboratory Corporation of America, LabCorp and Labcorp Genetics (formerly Invitae), Labcorp); PubMed 15110321 (cited by Labcorp Genetics (formerly Invitae), Labcorp); PubMed 23915561 (cited by Labcorp Genetics (formerly Invitae), Labcorp).